The following is an entry in ClinVar:

NM_001378615.1(CC2D2A):c.3230A>G (p.His1077Arg)

Genes: CC2D2A (coiled-coil and C2 domain containing 2A; plus strand), FBXL5 (F-box and leucine rich repeat protein 5; minus strand). Cytogenetic location: 4p15.32.
Variant type: single nucleotide variant.
Coding change: c.3230A>G on transcript NM_001378615.1 (MANE Select); coding-DNA position 3230, A replaced by G.
Protein change: p.His1077Arg; replaces histidine 1077 with arginine.
Molecular consequence: missense variant.
Genome position (GRCh38, 1-based): chr4:15,567,424, A>G. VCF-style: chr4-15567424-A-G. GRCh37 (hg19) VCF-style: chr4-15569047-A-G.
Other names: c.3230A>G, p.His1077Arg (NM_001080522.2); c.3083A>G, p.His1028Arg (NM_001378617.1); short protein forms H1028R, H1077R.
Identifiers: ClinVar variation 2077344 (VCV002077344.4), dbSNP rs1719934080, ClinGen allele CA356417667.

ClinVar aggregate classification (germline): Uncertain significance (1 of 4 stars; one submission).

Conditions:
Joubert syndrome. Also called: JOUBERT-BOLTSHAUSER SYNDROME; Familial aplasia of the vermis. Identifiers: Orphanet 475, MedGen C5979921, MONDO:0018772.
Meckel-Gruber syndrome. Also called: DYSENCEPHALIA SPLANCHNOCYSTICA; GRUBER SYNDROME; Dysencephalia splachnocystica. Identifiers: Orphanet 564, MedGen C0265215, MONDO:0018921.

Allele frequency attached by ClinVar (database versions not stated): gnomAD exomes below 0.00001.
gnomAD v4.1: 1 of 1,613,684 alleles (0.000062%); no homozygotes.

Submission:

Labcorp Genetics (formerly Invitae), Labcorp
Classification: Uncertain significance for Joubert syndrome; Meckel-Gruber syndrome. Last evaluated: 2022-08-08. Review status: criteria provided, single submitter. Criteria: Invitae Variant Classification Sherloc (09022015). Collection method: clinical testing. Allele origin: germline.
Comment: In summary, the available evidence is currently insufficient to determine the role of this variant in disease. Therefore, it has been classified as a Variant of Uncertain Significance. Algorithms developed to predict the effect of missense changes on protein structure and function output the following: SIFT: "Tolerated"; PolyPhen-2: "Benign"; Align-GVGD: "Class C0". The arginine amino acid residue is found in multiple mammalian species, which suggests that this missense change does not adversely affect protein function. This variant has not been reported in the literature in individuals affected with CC2D2A-related conditions. This variant is not present in population databases (gnomAD no frequency). This sequence change replaces histidine, which is basic and polar, with arginine, which is basic and polar, at codon 1077 of the CC2D2A protein (p.His1077Arg).